The following is an entry in ClinVar:

NM_001164508.2(NEB):c.20296G>T (p.Gly6766Cys)

Gene: NEB (nebulin; minus strand). Cytogenetic location: 2q23.3.
Variant type: single nucleotide variant.
Coding change: c.20296G>T on transcript NM_001164508.2 (MANE Select); coding-DNA position 20296, G replaced by T.
Protein change: p.Gly6766Cys; replaces glycine 6766 with cysteine.
Molecular consequence: missense variant.
Genome position (GRCh38, 1-based): chr2:151,547,500, C>A on the plus strand (G>T on the coding strand, the complement: NEB is on the minus strand). VCF-style: chr2-151547500-C-A. GRCh37 (hg19) VCF-style: chr2-152404014-C-A.
Other names: c.20296G>T, p.Gly6766Cys (NM_001164507.2, NM_001271208.2); c.15193G>T, p.Gly5065Cys (NM_004543.5); short protein forms G5065C, G6766C.
Identifiers: ClinVar variation 281373 (VCV000281373.6), dbSNP rs886042143, ClinGen allele CA10603859.

ClinVar aggregate classification (germline): Uncertain significance. Review status: criteria provided, multiple submitters, no conflicts (2 of 4 stars). 2 submissions from 2 submitters: Uncertain significance (2). Last evaluated 2025-07-27.

Conditions:
Nemaline myopathy 2 (NEM2). Also called: Nemaline myopathy 2, autosomal recessive. Identifiers: MedGen C1850569, MONDO:0009725, OMIM 256030.

Submissions (2):

Labcorp Genetics (formerly Invitae), Labcorp
Classification: Uncertain significance for Nemaline myopathy 2. Last evaluated: 2025-07-27. Review status: criteria provided, single submitter. Criteria: Invitae Variant Classification Sherloc (09022015). Collection method: clinical testing. Allele origin: germline.
Comment: This sequence change replaces glycine, which is neutral and non-polar, with cysteine, which is neutral and slightly polar, at codon 6766 of the NEB protein (p.Gly6766Cys). This variant is not present in population databases (gnomAD no frequency). This variant has not been reported in the literature in individuals affected with NEB-related conditions. ClinVar contains an entry for this variant (Variation ID: 281373). Experimental studies and prediction algorithms are not available or were not evaluated, and the functional significance of this variant is currently unknown. In summary, the available evidence is currently insufficient to determine the role of this variant in disease. Therefore, it has been classified as a Variant of Uncertain Significance.

Eurofins Ntd Llc (ga)
Classification: Uncertain significance. Last evaluated: 2015-06-11. Review status: criteria provided, single submitter. Criteria: EGL Classification Definitions 2015. Collection method: clinical testing. Allele origin: germline. Observed: 1 variant allele, 1 heterozygote.